The following is an entry in ClinVar:

NM_004667.6(HERC2):c.11414C>T (p.Ala3805Val)

Gene: HERC2 (HECT and RLD domain containing E3 ubiquitin protein ligase 2; minus strand). Cytogenetic location: 15q13.1.
Variant type: single nucleotide variant.
Coding change: c.11414C>T on transcript NM_004667.6 (MANE Select); coding-DNA position 11414, C replaced by T.
Protein change: p.Ala3805Val; replaces alanine 3805 with valine.
Molecular consequence: missense variant.
Genome position (GRCh38, 1-based): chr15:28,143,877, G>A on the plus strand (C>T on the coding strand, the complement: HERC2 is on the minus strand). VCF-style: chr15-28143877-G-A. GRCh37 (hg19) VCF-style: chr15-28389023-G-A.
Other names: short protein forms A3805V.
Identifiers: ClinVar variation 3105361 (VCV003105361.6), dbSNP rs138338453, ClinGen allele CA7440570.
Genomic context (GRCh38, chr15:28,143,877, plus strand): 5'-AACATTTTATTCCCCAAGGGTCACAAATCTAGAAATTGTACTAGAATGCTCCATACCAAA[G>A]CTCTTGTTTCCCCATCATTTTCTCCAAGCAGCCTATTTATGTTAATTGACTGCCCAAATT-3'
Protein context (NP_004658.3, residues 3795-3815): LLGENDGETR[Ala3805Val]LSFTGSALAA

ClinVar aggregate classification (germline): Conflicting classifications of pathogenicity. Review status: criteria provided, conflicting classifications (1 of 4 stars). 2 submissions from 2 submitters: Uncertain significance (1); Likely benign (1). Last evaluated 2025-12-01.

Conditions:
Inborn genetic diseases. Identifiers: MedGen C0950123, MeSH D030342.

Allele frequency attached by ClinVar (database versions not stated): gnomAD exomes 0.00003; ExAC 0.00012; gnomAD 0.00029; TOPMed 0.00031; ESP Exome Variant Server 0.00038; 1000 Genomes Project 30x 0.00094; 1000 Genomes Project 0.00100.
gnomAD v4.1: 92 of 1,614,108 alleles (0.0057%); highest among the groups gnomAD compares: African/African-American, 0.11%; 1 homozygote.

Submissions (2):

CeGaT Center for Human Genetics Tuebingen
Classification: Likely benign. Last evaluated: 2025-12-01. Review status: criteria provided, single submitter. Criteria: CeGaT Center For Human Genetics Tuebingen Variant Classification Criteria Version 2. Collection method: clinical testing. Allele origin: germline. Affected: yes. Observed: 1 variant allele.
Comment: HERC2: BP4, BS2

Ambry Genetics
Classification: Uncertain significance for Inborn genetic diseases. Last evaluated: 2025-03-28. Review status: criteria provided, single submitter. Criteria: Ambry Variant Classification Scheme 2023. Collection method: clinical testing. Allele origin: germline.